The following is an entry in ClinVar:

NM_032608.7(MYO18B):c.2697G>A (p.Gly899=)

Gene: MYO18B (myosin XVIIIB; plus strand). Cytogenetic location: 22q12.1.
Variant type: single nucleotide variant.
Coding change: c.2697G>A on transcript NM_032608.7 (MANE Select); coding-DNA position 2697, G replaced by A.
Protein change: p.Gly899=; no amino-acid change (glycine 899 retained).
Molecular consequence: synonymous variant.
Genome position (GRCh38, 1-based): chr22:25,826,410, G>A. VCF-style: chr22-25826410-G-A. GRCh37 (hg19) VCF-style: chr22-26222377-G-A.
Other names: c.2697G>A (NM_032608.6); c.2697G>A, p.Gly899= (NM_001318245.2).
Identifiers: ClinVar variation 1648884 (VCV001648884.10), dbSNP rs764752211, ClinGen allele CA10160292.

ClinVar aggregate classification (germline): Likely benign. Review status: criteria provided, single submitter (1 of 4 stars). 2 submissions from 2 submitters: Likely benign (1). 1 of the submissions does not count toward it. Last evaluated 2025-07-21.

Conditions:
MYO18B-related disorder. Also called: MYO18B-related condition.

Allele frequency attached by ClinVar (database versions not stated): TOPMed below 0.00001; gnomAD exomes 0.00001; ExAC 0.00002.
gnomAD v4.1: 9 of 1,610,372 alleles (0.00056%); highest among the groups gnomAD compares: Admixed American, 0.0051%; no homozygotes.

Submissions (2):

Labcorp Genetics (formerly Invitae), Labcorp
Classification: Likely benign. Last evaluated: 2025-07-21. Review status: criteria provided, single submitter. Criteria: Invitae Variant Classification Sherloc (09022015). Collection method: clinical testing. Allele origin: germline.

PreventionGenetics, part of Exact Sciences
Classification: Likely benign for MYO18B-related condition. Last evaluated: 2019-05-21. Review status: no assertion criteria provided. Collection method: clinical testing. Allele origin: germline. Not counted in ClinVar's aggregate classification.
Comment: This variant is classified as likely benign based on ACMG/AMP sequence variant interpretation guidelines (Richards et al. 2015 PMID: 25741868, with internal and published modifications).